The following is an entry in ClinVar:

NM_006939.4(SOS2):c.3250A>G (p.Thr1084Ala)

Gene: SOS2 (SOS Ras/Rho guanine nucleotide exchange factor 2; minus strand). Cytogenetic location: 14q21.3.
Variant type: single nucleotide variant.
Coding change: c.3250A>G on transcript NM_006939.4 (MANE Select); coding-DNA position 3250, A replaced by G.
Protein change: p.Thr1084Ala; replaces threonine 1084 with alanine.
Molecular consequence: missense variant.
Genome position (GRCh38, 1-based): chr14:50,130,588, T>C on the plus strand (A>G on the coding strand, the complement: SOS2 is on the minus strand). VCF-style: chr14-50130588-T-C. GRCh37 (hg19) VCF-style: chr14-50597306-T-C.
Other names: short protein forms T1084A.
Identifiers: ClinVar variation 542409 (VCV000542409.21), dbSNP rs150752193, ClinGen allele CA7176852.

ClinVar aggregate classification (germline): Likely benign. Review status: criteria provided, multiple submitters, no conflicts (2 of 4 stars). 7 submissions from 7 submitters: Likely benign (6). 1 of the submissions does not count toward it. Last evaluated 2026-01-26.

Conditions:
SOS2-related disorder. Also called: SOS2-related condition.
Noonan syndrome 9 (NS9). Identifiers: Orphanet 648, MedGen C4225282, MONDO:0014691, OMIM 616559.
Cardiovascular phenotype. Identifiers: MedGen CN230736.

Allele frequency attached by ClinVar (database versions not stated): 1000 Genomes Project 30x 0.00016; 1000 Genomes Project 0.00020; ExAC 0.00030; gnomAD exomes 0.00034; TOPMed 0.00036; ESP Exome Variant Server 0.00038; gnomAD 0.00045 and 0.00047.
gnomAD v4.1: 775 of 1,614,026 alleles (0.048%); highest among the groups gnomAD compares: East Asian, 0.089%; 1 homozygote.

Submissions (7):

Labcorp Genetics (formerly Invitae), Labcorp
Classification: Likely benign for Noonan syndrome 9. Last evaluated: 2026-01-26. Review status: criteria provided, single submitter. Criteria: Invitae Variant Classification Sherloc (09022015). Collection method: clinical testing. Allele origin: germline.

Blueprint Genetics
Classification: Likely benign. Last evaluated: 2024-10-24. Review status: criteria provided, single submitter. Criteria: ACMG Guidelines, 2015. Collection method: clinical testing. Allele origin: germline.

Ambry Genetics
Classification: Likely benign for Cardiovascular phenotype. Last evaluated: 2022-10-14. Review status: criteria provided, single submitter. Criteria: Ambry Variant Classification Scheme 2023. Collection method: clinical testing. Allele origin: germline.

Women's Health and Genetics/Laboratory Corporation of America, LabCorp
Classification: Likely benign. Last evaluated: 2022-03-21. Review status: criteria provided, single submitter. Criteria: LabCorp Variant Classification Summary - May 2015. Collection method: clinical testing. Allele origin: germline.
Comment: Variant summary: SOS2 c.3250A>G (p.Thr1084Ala) results in a non-conservative amino acid change in the encoded protein sequence. Three of five in-silico tools predict a benign effect of the variant on protein function. The variant allele was found at a frequency of 0.00034 in 251436 control chromosomes (gnomAD). The observed variant frequency is approximately 135 fold of the estimated maximal expected allele frequency for a pathogenic variant in SOS2 causing Noonan Syndrome And Related Conditions phenotype (2.5e-06), strongly suggesting that the variant is benign. Authors classified the variant VUS. This report does not provide unequivocal conclusions about association of the variant with Noonan Syndrome And Related Conditions. To our knowledge, no experimental evidence demonstrating an impact on protein function has been reported. One clinical diagnostic laboratory has submitted clinical-significance assessments for this variant to ClinVar after 2014 and classified the variant as likely benign. Based on the evidence outlined above, the variant was classified as likely benign.

Department of Pathology and Laboratory Medicine, Sinai Health System
Classification: Likely benign for Noonan syndrome 9. Last evaluated: 2021-07-30. Review status: criteria provided, single submitter. Criteria: ACMG Guidelines, 2015. Collection method: research. Allele origin: germline.

Genome-Nilou Lab
Classification: Likely benign for Noonan syndrome 9. Review status: criteria provided, single submitter. Criteria: ACMG Guidelines, 2015. Collection method: clinical testing. Allele origin: germline.

PreventionGenetics, part of Exact Sciences
Classification: Benign for SOS2-related condition. Last evaluated: 2024-03-05. Review status: no assertion criteria provided. Collection method: clinical testing. Allele origin: germline. Not counted in ClinVar's aggregate classification.
Comment: This variant is classified as benign based on ACMG/AMP sequence variant interpretation guidelines (Richards et al. 2015 PMID: 25741868, with internal and published modifications).

Literature cited by the submitters: PubMed 30455982 (cited by Women's Health and Genetics/Laboratory Corporation of America, LabCorp).